The following is an entry in ClinVar:

ClinVar aggregate classification (germline): Uncertain significance. Review status: criteria provided, multiple submitters, no conflicts (2 of 4 stars). 2 submissions from 2 submitters: Uncertain significance (2). Last evaluated 2025-05-24.

Conditions:
Familial thoracic aortic aneurysm and aortic dissection (TAAD). Also called: Thoracic aortic aneurysms and dissections. Identifiers: Orphanet 91387, MedGen C4707243, MONDO:0019625.
Adams-Oliver syndrome 5 (AOS5). Identifiers: Orphanet 974, MedGen C4014970, MONDO:0014459, OMIM 616028.

Allele frequency attached by ClinVar (database versions not stated): gnomAD exomes below 0.00001.
gnomAD v4.1: 1 of 1,612,484 alleles (0.000062%); highest among the groups gnomAD compares: Non-Finnish European, 0.000085%; no homozygotes.

Submissions (2):

Ambry Genetics
Classification: Uncertain significance for Familial thoracic aortic aneurysm and aortic dissection. Last evaluated: 2025-05-24. Review status: criteria provided, single submitter. Criteria: Ambry Variant Classification Scheme 2023. Collection method: clinical testing. Allele origin: germline.
Comment: The p.I807T variant (also known as c.2420T>C), located in coding exon 15 of the NOTCH1 gene, results from a T to C substitution at nucleotide position 2420. The isoleucine at codon 807 is replaced by threonine, an amino acid with similar properties. This amino acid position is conserved. In addition, the in silico prediction for this alteration is inconclusive. Based on the available evidence, the clinical significance of this variant remains unclear.

Labcorp Genetics (formerly Invitae), Labcorp
Classification: Uncertain significance for Adams-Oliver syndrome 5. Last evaluated: 2020-04-20. Review status: criteria provided, single submitter. Criteria: Invitae Variant Classification Sherloc (09022015). Collection method: clinical testing. Allele origin: germline.
Comment: In summary, the available evidence is currently insufficient to determine the role of this variant in disease. Therefore, it has been classified as a Variant of Uncertain Significance. Algorithms developed to predict the effect of missense changes on protein structure and function (SIFT, PolyPhen-2, Align-GVGD) all suggest that this variant is likely to be disruptive, but these predictions have not been confirmed by published functional studies and their clinical significance is uncertain. This variant has not been reported in the literature in individuals with NOTCH1-related conditions. This variant is not present in population databases (ExAC no frequency). This sequence change replaces isoleucine with threonine at codon 807 of the NOTCH1 protein (p.Ile807Thr). The isoleucine residue is highly conserved and there is a moderate physicochemical difference between isoleucine and threonine.

NM_017617.5(NOTCH1):c.2420T>C (p.Ile807Thr)

Gene: NOTCH1 (notch receptor 1; minus strand). Cytogenetic location: 9q34.3.
Variant type: single nucleotide variant.
Coding change: c.2420T>C on transcript NM_017617.5 (MANE Select); coding-DNA position 2420, T replaced by C.
Protein change: p.Ile807Thr; replaces isoleucine 807 with threonine.
Molecular consequence: missense variant.
Genome position (GRCh38, 1-based): chr9:136,513,068, A>G on the plus strand (T>C on the coding strand, the complement: NOTCH1 is on the minus strand). VCF-style: chr9-136513068-A-G. GRCh37 (hg19) VCF-style: chr9-139407520-A-G.
Other names: c.2420T>C (NM_017617.3); short protein forms I807T.
Identifiers: ClinVar variation 1040831 (VCV001040831.9), dbSNP rs1265223880, ClinGen allele CA375556487.